The following is an entry in ClinVar:

NM_006017.3(PROM1):c.1A>G (p.Met1Val)

Gene: PROM1 (prominin 1; minus strand). Cytogenetic location: 4p15.32.
Variant type: single nucleotide variant.
Coding change: c.1A>G on transcript NM_006017.3 (MANE Select); coding-DNA position 1, A replaced by G.
Protein change: p.Met1Val; changes the start codon (methionine 1).
Molecular consequence: missense variant, initiator codon variant.
Genome position (GRCh38, 1-based): chr4:16,075,906, T>C on the plus strand (A>G on the coding strand, the complement: PROM1 is on the minus strand). VCF-style: chr4-16075906-T-C. GRCh37 (hg19) VCF-style: chr4-16077529-T-C.
Other names: c.1A>G, p.Met1Val (NM_001145847.2, NM_001145848.2, NM_001145849.2 and 6 more transcripts); short protein forms M1V.
Identifiers: ClinVar variation 857969 (VCV000857969.10), dbSNP rs748974608, ClinGen allele CA2867204.

ClinVar aggregate classification (germline): Pathogenic (1 of 4 stars; one submission).

Allele frequency attached by ClinVar (database versions not stated): gnomAD exomes below 0.00001; ExAC 0.00001.

Submission:

Labcorp Genetics (formerly Invitae), Labcorp
Classification: Pathogenic. Last evaluated: 2025-01-15. Review status: criteria provided, single submitter. Criteria: Invitae Variant Classification Sherloc (09022015). Collection method: clinical testing. Allele origin: germline.
Comment: This sequence change affects the initiator methionine of the PROM1 mRNA. The next in-frame methionine is located at codon 123. This variant is present in population databases (rs748974608, gnomAD 0.0009%). Disruption of the initiator codon has been observed in individual(s) with autosomal recessive cone-rod dystrophy (PMID: 28181551). In at least one individual the data is consistent with being in trans (on the opposite chromosome) from a pathogenic variant. ClinVar contains an entry for this variant (Variation ID: 857969). This variant disrupts a region of the PROM1 protein in which other variant(s) (p.Tyr105Cys) have been determined to be pathogenic (PMID: 31129250; internal data). This suggests that this is a clinically significant region of the protein, and that variants that disrupt it are likely to be disease-causing. For these reasons, this variant has been classified as Pathogenic.

Literature cited by the submitters: PubMed 28181551; PubMed 31129250.